The following continues an entry in ClinVar:

NM_002180.3(IGHMBP2):c.1488C>A (p.Cys496Ter)

Gene: IGHMBP2. ClinVar aggregate classification (germline): Pathogenic/Likely pathogenic. Pathogenic (17); Likely pathogenic (1).

Submissions 12 to 22 of 22:

Ambry Genetics
Classification: Pathogenic for Inborn genetic diseases. Last evaluated: 2020-03-23. Review status: criteria provided, single submitter. Criteria: Ambry Variant Classification Scheme 2023. Collection method: clinical testing. Allele origin: germline.
Comment: The p.C496* pathogenic mutation (also known as c.1488C>A), located in coding exon 10 of the IGHMBP2 gene, results from a C to A substitution at nucleotide position 1488. This changes the amino acid from a cysteine to a stop codon within coding exon 10. This alteration has been detected in the homozygous and compound heterozygous states in patients with spinal muscular atrophy with respiratory distress type 1 (SMARD1) (Grohmann K et al. Ann. Neurol., 2003 Dec;54:719-24; Joseph S et al. Neuromuscul. Disord., 2009 Mar;19:193-5; Pitt M et al. Brain, 2003 Dec;126:2682-92; San Millan B et al. Clin. Neuropathol.;35:58-65). This alteration has also been detected in the compound heterozygous state in a patient with Charcot-Marie-Tooth disease, type 2 (Cottenie E et al. Am. J. Hum. Genet., 2014 Nov;95:590-601). This alteration is expected to result in loss of function by premature protein truncation or nonsense-mediated mRNA decay. As such, this alteration is interpreted as a disease-causing mutation.

Mendelics
Classification: Pathogenic for Autosomal recessive distal spinal muscular atrophy 1. Last evaluated: 2019-05-28. Review status: criteria provided, single submitter. Criteria: Mendelics Assertion Criteria 2017. Collection method: clinical testing. Allele origin: unknown.

Eurofins Ntd Llc (ga)
Classification: Pathogenic. Last evaluated: 2015-10-26. Review status: criteria provided, single submitter. Criteria: EGL Classification Definitions 2015. Collection method: clinical testing. Allele origin: germline. Observed: 1 variant allele, 1 heterozygote.

Lupski Lab, Baylor-Hopkins CMG, Baylor College of Medicine
Classification: Pathogenic for Autosomal recessive distal spinal muscular atrophy 1. Last evaluated: 2015-08-18. Review status: criteria provided, single submitter. Criteria: Pitt et al. (Brain 2003). Collection method: research. Allele origin: maternal. Inheritance: Autosomal recessive inheritance. Affected: yes. Observed: 1 variant allele, 1 compound heterozygote.

ARUP Laboratories, Molecular Genetics and Genomics, ARUP Laboratories
Classification: Pathogenic. Review status: criteria provided, single submitter. Criteria: ARUP Molecular Germline Variant Investigation Process 2024. Collection method: clinical testing. Allele origin: germline.
Comment: The p.Cys496Ter variant has been reported in homozygous form as well as in compound heterozygous form together with missense or other nonsense variants in infants with spinal muscular atrophy with respiratory distress type 1 (SMARD1) with age onset of respiratory distress ranging from 3 - 91 days after birth (Grohmann 2003). Many affected infants presented with intrauterine growth restriction, decreased fetal movements, weak cry, congenital foot deformities due to early involvement of distal muscles of the lower limbs, eventration of the diaphragm due to a diaphragmatic paralysis, involvement of the autonomic nervous system, neurogenic changes in electromyography, decrease in motor nerve conduction velocity and absence of motor response after maximum stimulation, as well as fiber hypertrophy and atrophy on muscle biopsy (Grohmann 2003). Additionally, Litvinenko et al. (2014) reported two infant siblings with p.Cys496Ter and Gln260fs compound heterozygous variants with severe spinal muscular atrophy respiratory distress 1, persistent eventration of the right hemidiaphragm, hypotonia due to hypo- and areflexia, complete paralysis of the limbs and mild contractures, electromyography showing active denervation, and total absence of IGHMBP2 enzyme activity.

Molecular Genetics Laboratory, London Health Sciences Centre
Classification: Pathogenic for Charcot-Marie-Tooth disease. Review status: criteria provided, single submitter. Criteria: ACMG Guidelines, 2015. Collection method: clinical testing. Allele origin: germline. Affected: yes.

UNC Molecular Genetics  Laboratory, University of North Carolina at Chapel Hill
Classification: Likely pathogenic for Charcot-Marie-Tooth disease, axonal, type 2S; Spinal muscular atrophy, distal, autosomal recessive, 1. Review status: criteria provided, single submitter. Criteria: ACMG Guidelines, 2015. Collection method: research. Allele origin: germline. Affected: no. Observed: 1 variant allele. Study: NSIGHT-NC NEXUS.
Comment: The IGHMBP2 c.1488C>A (p.C496*) nonsense variant is predicted to result in an absent or aberrant protein. This variant has been observed in the compound heterozygous state in individuals with Charcot-Marie-Tooth disease type 2S or spinal muscular atrophy with respiratory distress type 1 (SMARD1) (PMID: 14506069; 15108294; 19157874; 23449687; 25439726).

carrier finding

Clinical Genetics DNA and cytogenetics Diagnostics Lab, Erasmus MC, Erasmus Medical Center
Classification: Pathogenic. Review status: no assertion criteria provided. Collection method: clinical testing. Allele origin: germline. Affected: yes. Study: VKGL Data-share Consensus. Not counted in ClinVar's aggregate classification.

Clinical Genetics, Academic Medical Center
Classification: Pathogenic. Review status: no assertion criteria provided. Collection method: clinical testing. Allele origin: germline. Affected: yes. Study: VKGL Data-share Consensus. Not counted in ClinVar's aggregate classification.

Genome Diagnostics Laboratory, Amsterdam University Medical Center
Classification: Pathogenic. Review status: no assertion criteria provided. Collection method: clinical testing. Allele origin: germline. Affected: yes. Study: VKGL Data-share Consensus. Not counted in ClinVar's aggregate classification.

Joint Genome Diagnostic Labs from Nijmegen and Maastricht, Radboudumc and MUMC+
Classification: Pathogenic. Review status: no assertion criteria provided. Collection method: clinical testing. Allele origin: germline. Affected: yes. Study: VKGL Data-share Consensus. Not counted in ClinVar's aggregate classification.

Literature cited by the submitters: PubMed 14681881 (cited by 4 submitters); PubMed 25439726 (cited by 7 submitters); PubMed 25568292 (cited by Labcorp Genetics (formerly Invitae), Labcorp); PubMed 14506069 (cited by 4 submitters); PubMed 19157874 (cited by 5 submitters); PubMed 23449687 (cited by 4 submitters); PubMed 26257172 (cited by 3 submitters); PubMed 14581881 (cited by Variantyx, Inc.); PubMed 15108294 (cited by Mayo Clinic Laboratories, Mayo Clinic and UNC Molecular Genetics  Laboratory, University of North Carolina at Chapel Hill); PubMed 15287252 (cited by Mayo Clinic Laboratories, Mayo Clinic); PubMed 25248952 (cited by Mayo Clinic Laboratories, Mayo Clinic); PubMed 25525159 (cited by Mayo Clinic Laboratories, Mayo Clinic); PubMed 26298607 (cited by Mayo Clinic Laboratories, Mayo Clinic); PubMed 26354092 (cited by Mayo Clinic Laboratories, Mayo Clinic); PubMed 26709713 (cited by Mayo Clinic Laboratories, Mayo Clinic and Ambry Genetics); PubMed 26922252 (cited by Mayo Clinic Laboratories, Mayo Clinic); PubMed 28765793 (cited by Mayo Clinic Laboratories, Mayo Clinic); PubMed 29431110 (cited by Mayo Clinic Laboratories, Mayo Clinic); PubMed 30598237 (cited by Mayo Clinic Laboratories, Mayo Clinic and Victorian Clinical Genetics Services, Murdoch Childrens Research Institute).